The following is an entry in ClinVar:

NM_000901.5(NR3C2):c.*1452C>T

Gene: NR3C2 (nuclear receptor subfamily 3 group C member 2; minus strand). Cytogenetic location: 4q31.23.
Variant type: single nucleotide variant.
Coding change: c.*1452C>T on transcript NM_000901.5 (MANE Select); 1452 bases downstream of the stop codon, C replaced by T.
Molecular consequence: 3 prime UTR variant. On other transcripts: non-coding transcript variant (1).
Genome position (GRCh38, 1-based): chr4:148,079,892, G>A on the plus strand (C>T on the coding strand, the complement: NR3C2 is on the minus strand). VCF-style: chr4-148079892-G-A. GRCh37 (hg19) VCF-style: chr4-149001043-G-A.
Other names: c.*1452C>T (NM_001166104.2, NM_001354819.1).
Identifiers: ClinVar variation 347694 (VCV000347694.5), dbSNP rs181282602, ClinGen allele CA10617172.
Genomic context (GRCh38, chr4:148,079,892, plus strand): 5'-AACCTTGCCAAGATGGGCCGTCCCAGCGCATCCTGCCATGATCTGTGCGTTCCTGTGACC[G>A]GTTCCAGGAGTGCAGAACCTCTTTCCAAGATCAGAAGGGAATAGCTGATCTTTAACAGAG-3'

ClinVar aggregate classification (germline): Likely benign (1 of 4 stars; one submission).

Conditions:
Autosomal dominant pseudohypoaldosteronism type 1. Also called: Pseudohypoaldosteronism, Type I, Autosomal Dominant; PHA I, AUTOSOMAL DOMINANT; Pseudohypoaldosteronism, Type I, Dominant. Identifiers: Orphanet 171871, Orphanet 756, MedGen C1449842, MONDO:0008329, OMIM 177735.

Allele frequency attached by ClinVar (database versions not stated): TOPMed 0.00090; 1000 Genomes Project 30x 0.00094; 1000 Genomes Project 0.00100; gnomAD 0.00138 and 0.00145; gnomAD exomes 0.00403.
gnomAD v4.1: 212 of 152,518 alleles (0.14%); highest among the groups gnomAD compares: Non-Finnish European, 0.15%; no homozygotes.

Submission:

Illumina Laboratory Services, Illumina
Classification: Likely benign for Autosomal dominant pseudohypoaldosteronism type 1. Last evaluated: 2018-01-13. Review status: criteria provided, single submitter. Criteria: ICSL Variant Classification Criteria 13 December 2019. Collection method: clinical testing. Allele origin: germline.
Comment: This variant was observed in the ICSL laboratory as part of a predisposition screen in an ostensibly healthy population. It had not been previously curated by ICSL or reported in the Human Gene Mutation Database (HGMD: prior to June 1st, 2018), and was therefore a candidate for classification through an automated scoring system. Utilizing variant allele frequency, disease prevalence and penetrance estimates, and inheritance mode, an automated score was calculated to assess if this variant is too frequent to cause the disease. Based on the score and internal cut-off values, a variant classified as likely benign is not then subjected to further curation. The score for this variant resulted in a classification of likely benign for this disease.